The following is an entry in ClinVar:

ClinVar aggregate classification (germline): Likely pathogenic. Review status: reviewed by expert panel (3 of 4 stars). 10 submissions from 10 submitters: Likely pathogenic (1). 9 of the submissions do not count toward it. Last evaluated 2025-01-08.

Conditions:
Autosomal recessive limb-girdle muscular dystrophy type 2E (LGMDR4). Also called: MUSCULAR DYSTROPHY, LIMB-GIRDLE, AUTOSOMAL RECESSIVE 4. Identifiers: Orphanet 119, MedGen C1858593, MONDO:0011423, OMIM 604286. Disease mechanism: Affects gamma-sarcoglycan and also disrupts the integrity of the entire sarcoglycan complex..
Autosomal recessive limb-girdle muscular dystrophy. Identifiers: Orphanet 102015, MedGen C2931907, MONDO:0015152.

Allele frequency attached by ClinVar (database versions not stated): gnomAD exomes 0.00001; ExAC 0.00001.
gnomAD v4.1: 16 of 1,613,508 alleles (0.00099%); highest among the groups gnomAD compares: African/African-American, 0.0027%; no homozygotes.

Submissions (10):

ClinGen Limb Girdle Muscular Dystrophy Variant Curation Expert Panel, ClinGen
Classification: Likely pathogenic for Autosomal recessive limb-girdle muscular dystrophy. Last evaluated: 2025-01-08. Review status: reviewed by expert panel. Criteria: ClinGen LGMD VCEP ACMG Specifications SGCB V1.0.0. Collection method: curation. Allele origin: germline. Inheritance: Autosomal recessive inheritance.
Comment: The NM_000232.5: c.265G>A variant in SGCB is a missense variant predicted to cause substitution of valine by methionine at amino acid 89 (p.Val89Met). This variant has been detected in at least four individuals with symptoms of limb girdle muscular dystrophy. Of those individuals, one was compound heterozygous for the variant and a pathogenic variant (c.391C>T p.(Arg131Ter), 1 pt, ClinVar SCV000748307.5 internal data communication), and three patients were homozygous for the variant (1 pt, PMID: 28889091, 30838351, 29797799) (PM3_Strong). At least one of these patients displayed progressive limb girdle muscle weakness (PP4). This variant was also shown to co-segregate with autosomal recessive LGMD in one affected family member (PMID: 28889091; PP1). The highest population minor allele frequency in gnomAD v2.1.1 is 0.00003 in the Admixed American population (1/34588 exome alleles), which is lower than the LGMD VCEP threshold (<0.00009) for PM2_Supporting, meeting this criterion (PM2_Supporting). The computational predictor REVEL gives a score of 0.932, which is above the threshold of 0.7, evidence that correlates with impact to SGCB function (PP3). In summary, this variant meets the criteria to be classified as Likely Pathogenic for autosomal recessive limb girdle muscular dystrophy based on the ACMG/AMP criteria applied, as specified by the ClinGen LGMD VCEP (LGMD VCEP specifications version 1.0.0; 01/08/2025): PM3_Strong, PP4, PM2_Supporting, PP3, PP1.

GeneDx
Classification: Likely pathogenic. Last evaluated: 2026-02-02. Review status: criteria provided, single submitter. Criteria: GeneDx Variant Classification Process June 2021. Collection method: clinical testing. Allele origin: germline. Not counted in ClinVar's aggregate classification.
Comment: Not observed at significant frequency in large population cohorts (gnomAD); Missense variants in this gene are a common cause of disease and they are underrepresented in the general population; In silico analysis suggests that this missense variant does not alter protein structure/function; This variant is associated with the following publications: (PMID: 29797799, 39678382, 28889091, 37317968, 30838351, 15938573, 40774080)

Labcorp Genetics (formerly Invitae), Labcorp
Classification: Pathogenic for Autosomal recessive limb-girdle muscular dystrophy type 2E. Last evaluated: 2025-09-29. Review status: criteria provided, single submitter. Criteria: Invitae Variant Classification Sherloc (09022015). Collection method: clinical testing. Allele origin: germline. Not counted in ClinVar's aggregate classification.
Comment: This sequence change replaces valine, which is neutral and non-polar, with methionine, which is neutral and non-polar, at codon 89 of the SGCB protein (p.Val89Met). This variant is present in population databases (rs762652676, gnomAD 0.003%). This missense change has been observed in individual(s) with limb-girdle muscular dystrophy (PMID: 15938573). It has also been observed to segregate with disease in related individuals. ClinVar contains an entry for this variant (Variation ID: 551805). Invitae Evidence Modeling of protein sequence and biophysical properties (such as structural, functional, and spatial information, amino acid conservation, physicochemical variation, residue mobility, and thermodynamic stability) indicates that this missense variant is not expected to disrupt SGCB protein function with a negative predictive value of 80%. For these reasons, this variant has been classified as Pathogenic.

Natera, Inc.
Classification: Likely pathogenic for Limb-girdle muscular dystrophy type 2E. Last evaluated: 2025-06-24. Review status: criteria provided, single submitter. Criteria: Natera Variant Classification Schema (03/2026). Collection method: clinical testing. Allele origin: germline. Not counted in ClinVar's aggregate classification.
Comment: The c.265G>A variant in SGCB is a missense variant predicted to cause substitution of valine to methionine at amino acid 89. This variant is rare in the general population with a frequency below the threshold expected for the associated phenotype(s). This variant has been observed in one or more individuals affected with the associated recessive disease, as either homozygous or compound heterozygous with a second variant (PMID: 28889091, 29797799, 30838351). This variant has been observed to segregate in affected family members (PMID: 28889091). Computational prediction algorithms indicate this variant is likely to affect gene or protein function. Given the available evidence, this variant is classified as Likely Pathogenic.

Revvity Omics, Revvity
Classification: Likely pathogenic for Autosomal recessive limb-girdle muscular dystrophy type 2E. Last evaluated: 2025-03-05. Review status: criteria provided, single submitter. Criteria: ACMG Guidelines, 2015. Collection method: clinical testing. Allele origin: germline. Not counted in ClinVar's aggregate classification.

Fulgent Genetics
Classification: Likely pathogenic for Autosomal recessive limb-girdle muscular dystrophy type 2E. Last evaluated: 2024-03-07. Review status: criteria provided, single submitter. Criteria: ACMG Guidelines, 2015. Collection method: clinical testing. Allele origin: germline. Not counted in ClinVar's aggregate classification.

Baylor Genetics
Classification: Likely pathogenic for Autosomal recessive limb-girdle muscular dystrophy type 2E. Last evaluated: 2023-11-25. Review status: criteria provided, single submitter. Criteria: ACMG Guidelines, 2015. Collection method: clinical testing. Allele origin: unknown. Not counted in ClinVar's aggregate classification.

Women's Health and Genetics/Laboratory Corporation of America, LabCorp
Classification: Pathogenic for Autosomal recessive limb-girdle muscular dystrophy. Last evaluated: 2022-03-16. Review status: criteria provided, single submitter. Criteria: LabCorp Variant Classification Summary - May 2015. Collection method: clinical testing. Allele origin: germline. Not counted in ClinVar's aggregate classification.
Comment: Variant summary: SGCB c.265G>A (p.Val89Met) results in a conservative amino acid change in the encoded protein sequence. Four of five in-silico tools predict a damaging effect of the variant on protein function. The variant allele was found at a frequency of 8e-06 in 251442 control chromosomes (gnomAD). c.265G>A has been reported in the literature in multiple homozygous individuals affected with Limb-Girdle Muscular Dystrophy, Autosomal Recessive (e.g. Tasca_2018, Diniz_2017, Yis_2018, Feng_2018). These data indicate that the variant is very likely to be associated with disease. To our knowledge, no experimental evidence demonstrating an impact on protein function has been reported. Two clinical diagnostic laboratories have submitted clinical-significance assessments for this variant to ClinVar after 2014, and classified the variant as pathogenic or as uncertain significance. Based on the evidence outlined above, the variant was classified as pathogenic.

Neuberg Centre For Genomic Medicine, NCGM
Classification: Likely pathogenic for Autosomal recessive limb-girdle muscular dystrophy type 2E. Review status: criteria provided, single submitter. Criteria: ACMG Guidelines, 2015. Collection method: clinical testing. Allele origin: germline. Inheritance: Autosomal recessive inheritance. Affected: yes. Not counted in ClinVar's aggregate classification.

Counsyl
Classification: Uncertain significance for Autosomal recessive limb-girdle muscular dystrophy type 2E. Last evaluated: 2017-05-10. Review status: no assertion criteria provided. Collection method: clinical testing. Allele origin: unknown. Not counted in ClinVar's aggregate classification.

Literature cited by the submitters: PubMed 15938573 (cited by Labcorp Genetics (formerly Invitae), Labcorp and Counsyl); PubMed 28889091 (cited by Natera, Inc. and Women's Health and Genetics/Laboratory Corporation of America, LabCorp); PubMed 29797799 (cited by Natera, Inc. and Women's Health and Genetics/Laboratory Corporation of America, LabCorp); PubMed 30838351 (cited by Natera, Inc. and Women's Health and Genetics/Laboratory Corporation of America, LabCorp).

NM_000232.5(SGCB):c.265G>A (p.Val89Met)

Gene: SGCB (sarcoglycan beta; minus strand). Cytogenetic location: 4q12.
Variant type: single nucleotide variant.
Coding change: c.265G>A on transcript NM_000232.5 (MANE Select); coding-DNA position 265, G replaced by A.
Protein change: p.Val89Met; replaces valine 89 with methionine.
Molecular consequence: missense variant.
Genome position (GRCh38, 1-based): chr4:52,029,842, C>T on the plus strand (G>A on the coding strand, the complement: SGCB is on the minus strand). VCF-style: chr4-52029842-C-T. GRCh37 (hg19) VCF-style: chr4-52896008-C-T.
Other names: NM_000232.5(SGCB):c.265G>A; p.Val89Met; short protein forms V89M.
Identifiers: ClinVar variation 551805 (VCV000551805.21), dbSNP rs762652676, ClinGen allele CA2918446.